The following is an entry in ClinVar:

ClinVar aggregate classification (germline): Uncertain significance (1 of 4 stars; one submission).

Allele frequency attached by ClinVar (database versions not stated): ExAC 0.00001; gnomAD exomes 0.00001; TOPMed 0.00001.

Submission:

Labcorp Genetics (formerly Invitae), Labcorp
Classification: Uncertain significance. Last evaluated: 2023-03-19. Review status: criteria provided, single submitter. Criteria: Invitae Variant Classification Sherloc (09022015). Collection method: clinical testing. Allele origin: germline.
Comment: This variant is present in population databases (rs751653274, gnomAD 0.003%). ClinVar contains an entry for this variant (Variation ID: 2109999). This variant has not been reported in the literature in individuals affected with ERBIN-related conditions. An algorithm developed to predict the effect of missense changes on protein structure and function (PolyPhen-2) suggests that this variant is likely to be disruptive. This sequence change replaces arginine, which is basic and polar, with glutamine, which is neutral and polar, at codon 457 of the ERBIN protein (p.Arg457Gln). In summary, the available evidence is currently insufficient to determine the role of this variant in disease. Therefore, it has been classified as a Variant of Uncertain Significance.

NM_001253697.2(ERBIN):c.1370G>A (p.Arg457Gln)

Gene: ERBIN (erbb2 interacting protein; plus strand). Cytogenetic location: 5q12.3.
Variant type: single nucleotide variant.
Coding change: c.1370G>A on transcript NM_001253697.2 (MANE Select); coding-DNA position 1370, G replaced by A.
Protein change: p.Arg457Gln; replaces arginine 457 with glutamine.
Molecular consequence: missense variant.
Genome position (GRCh38, 1-based): chr5:66,043,140, G>A. VCF-style: chr5-66043140-G-A. GRCh37 (hg19) VCF-style: chr5-65338968-G-A.
Other names: c.1370G>A, p.Arg457Gln (NM_001006600.3, NM_001253698.2, NM_001253699.2 and 2 more transcripts); short protein forms R457Q.
Identifiers: ClinVar variation 2109999 (VCV002109999.4), dbSNP rs751653274, ClinGen allele CA3286241.